The following is an entry in ClinVar:

ClinVar aggregate classification (germline): Likely benign. Review status: criteria provided, single submitter (1 of 4 stars). 2 submissions from 2 submitters: Likely benign (1). 1 of the submissions does not count toward it. Last evaluated 2022-09-01.

Conditions:
DNHD1-related disorder. Also called: DNHD1-related condition.

Allele frequency attached by ClinVar (database versions not stated): TOPMed 0.00025; 1000 Genomes Project 30x 0.00031; gnomAD 0.00033; 1000 Genomes Project 0.00040; gnomAD exomes 0.00045; ESP Exome Variant Server 0.00048; ExAC 0.00080.
gnomAD v4.1: 707 of 1,600,390 alleles (0.044%); highest among the groups gnomAD compares: Non-Finnish European, 0.046%; no homozygotes.

Submissions (2):

CeGaT Center for Human Genetics Tuebingen
Classification: Likely benign. Last evaluated: 2022-09-01. Review status: criteria provided, single submitter. Criteria: CeGaT Center For Human Genetics Tuebingen Variant Classification Criteria Version 2. Collection method: clinical testing. Allele origin: germline. Affected: yes. Observed: 1 variant allele.
Comment: DNHD1: BP4, BP7

PreventionGenetics, part of Exact Sciences
Classification: Likely benign for DNHD1-related condition. Last evaluated: 2019-05-01. Review status: no assertion criteria provided. Collection method: clinical testing. Allele origin: germline. Not counted in ClinVar's aggregate classification.
Comment: This variant is classified as likely benign based on ACMG/AMP sequence variant interpretation guidelines (Richards et al. 2015 PMID: 25741868, with internal and published modifications).

NM_144666.3(DNHD1):c.13488G>A (p.Val4496=)

Gene: DNHD1 (dynein heavy chain domain 1; plus strand). Cytogenetic location: 11p15.4.
Variant type: single nucleotide variant.
Coding change: c.13488G>A on transcript NM_144666.3 (MANE Select); coding-DNA position 13488, G replaced by A.
Protein change: p.Val4496=; no amino-acid change (valine 4496 retained).
Molecular consequence: synonymous variant.
Genome position (GRCh38, 1-based): chr11:6,571,000, G>A. VCF-style: chr11-6571000-G-A. GRCh37 (hg19) VCF-style: chr11-6592230-G-A.
Other names: c.13488G>A (NM_144666.2).
Identifiers: ClinVar variation 2641554 (VCV002641554.25), dbSNP rs200845640, ClinGen allele CA5857140.
Genomic context (GRCh38, chr11:6,571,000, plus strand): 5'-TGCACGGCGGCCTCTGGAGGGCGTCTTAGAGACCGAGGCTCTAGAACTGAGCCAGTTGGT[G>A]GGCACGCTACAACGCGACCTTGATTGCCTGTTGCAGCAGCTGAAGGGCGCACCCCCGTGC-3'
Protein context (NP_653267.2, residues 4486-4506): ETEALELSQL[Val4496=]GTLQRDLDCL